The following is an entry in ClinVar:

NM_004722.4(AP4M1):c.923C>G (p.Ser308Ter)

Gene: AP4M1 (adaptor related protein complex 4 subunit mu 1; plus strand). Cytogenetic location: 7q22.1.
Variant type: single nucleotide variant.
Coding change: c.923C>G on transcript NM_004722.4 (MANE Select); coding-DNA position 923, C replaced by G.
Protein change: p.Ser308Ter; replaces serine 308 with a stop codon.
Molecular consequence: nonsense.
Genome position (GRCh38, 1-based): chr7:100,105,533, C>G. VCF-style: chr7-100105533-C-G. GRCh37 (hg19) VCF-style: chr7-99703156-C-G.
Other names: c.944C>G, p.Ser315Ter (NM_001363671.2); short protein forms S308*, S315*.
Identifiers: ClinVar variation 429735 (VCV000429735.9), dbSNP rs1131691556, ClinGen allele CA368473062.
Genomic context (GRCh38, chr7:100,105,533, plus strand): 5'-ATGACCTCCCCTCACCGCTCCCCTTCCGGCTCTTCCCCTCTGTGCAGTGGGACCGAGGCT[C>G]AGGCCGGTGAGACAATTTCCTGGGTTCTAGAACTACCTTGGAACCCAAGCCAAGACCTGT-3'

ClinVar aggregate classification (germline): Pathogenic. Review status: criteria provided, multiple submitters, no conflicts (2 of 4 stars). 3 submissions from 3 submitters: Pathogenic (3). Last evaluated 2025-07-31.

Conditions:
AP4M1-related disorder. Also called: AP4M1-related condition.
Hereditary spastic paraplegia 50 (SPG50). Also called: Spastic paraplegia 50, autosomal recessive. Identifiers: Orphanet 280763, MedGen C2752008, MONDO:0013048, OMIM 612936.

gnomAD v4.1: 2 of 1,612,770 alleles (0.00012%); highest among the groups gnomAD compares: Non-Finnish European, 0.000085%; no homozygotes.

Submissions (3):

PreventionGenetics, part of Exact Sciences
Classification: Pathogenic for AP4M1-related condition. Last evaluated: 2025-07-31. Review status: criteria provided, single submitter. Criteria: ACMG Guidelines, 2015. Collection method: clinical testing. Allele origin: germline.
Comment: The AP4M1 c.923C>G variant is predicted to result in premature protein termination (p.Ser308*). This variant has been reported in the homozygous state in an individual with cerebral palsy (eTable 1, Moreno-De-Luca et al. 2021. PubMed ID: 33528536). This variant is present in 0.0065% of alleles in individuals of European (Non-Finnish) descent in gnomAD. Nonsense variants in AP4M1 are expected to be pathogenic. This variant is interpreted as pathogenic.

Labcorp Genetics (formerly Invitae), Labcorp
Classification: Pathogenic for Hereditary spastic paraplegia 50. Last evaluated: 2022-06-14. Review status: criteria provided, single submitter. Criteria: Invitae Variant Classification Sherloc (09022015). Collection method: clinical testing. Allele origin: germline.
Comment: This sequence change creates a premature translational stop signal (p.Ser308*) in the AP4M1 gene. It is expected to result in an absent or disrupted protein product. Loss-of-function variants in AP4M1 are known to be pathogenic (PMID: 24700674, 25496299, 25558065). This variant is not present in population databases (gnomAD no frequency). This variant has not been reported in the literature in individuals affected with AP4M1-related conditions. ClinVar contains an entry for this variant (Variation ID: 429735). For these reasons, this variant has been classified as Pathogenic.

GeneDx
Classification: Pathogenic. Last evaluated: 2015-09-24. Review status: criteria provided, single submitter. Criteria: GeneDx Variant Classification (06012015). Collection method: clinical testing. Allele origin: germline. Affected: yes.
Comment: The S308X variant in the AP4M1 gene has not been reported previously as a pathogenic variant nor as a benign polymorphism, to our knowledge. This variant is predicted to cause loss of normal protein function either through protein truncation or nonsense-mediated mRNA decay. The S308X variant was not observed in approximately 6500 individuals of European and African American ancestry in the NHLBI Exome Sequencing Project, indicating it is not a common benign variant in these populations. Protein truncating variants downstream of S308X have been reported in the Human Gene Mutation Database in association with autosomal recessive spastic tetraplegia (Stenson et al., 2014), supporting the pathogenicity of more upstream truncating variants. We interpret S308X as a pathogenic variant.

Literature cited by the submitters: PubMed 24700674 (cited by Labcorp Genetics (formerly Invitae), Labcorp); PubMed 25496299 (cited by Labcorp Genetics (formerly Invitae), Labcorp); PubMed 25558065 (cited by Labcorp Genetics (formerly Invitae), Labcorp).